The following is an entry in ClinVar:

NM_003611.3(OFD1):c.373A>G (p.Lys125Glu)

Gene: OFD1 (OFD1 centriole and centriolar satellite protein; plus strand). Cytogenetic location: Xp22.2.
Variant type: single nucleotide variant.
Coding change: c.373A>G on transcript NM_003611.3 (MANE Select); coding-DNA position 373, A replaced by G.
Protein change: p.Lys125Glu; replaces lysine 125 with glutamic acid.
Molecular consequence: missense variant. On other transcripts: 5 prime UTR variant (1).
Genome position (GRCh38, 1-based): chrX:13,738,906, A>G. VCF-style: chrX-13738906-A-G. GRCh37 (hg19) VCF-style: chrX-13757025-A-G.
Other names: c.373A>G, p.Lys125Glu (NM_001330209.2, NM_001440947.1, NM_001440948.1); c.-173A>G (NM_001330210.2); c.373A>G (NM_003611.2); short protein forms K125E.
Identifiers: ClinVar variation 4792604 (VCV004792604.2).
Genomic context (GRCh38, chrX:13,738,906, plus strand): 5'-GTATTTACTATGCAGGATCTATTACAACTCATTAAAATCAACCCTACTTCCAGTCTCTAC[A>G]AATCACTGGTAAGATGGCTTAGTTTCTGTAATCTACTTTGGTTTGTTAATTATAACTGAA-3'
Protein context (NP_003602.1, residues 115-135): IKINPTSSLY[Lys125Glu]SLVSGSDKEN

ClinVar aggregate classification (germline): Uncertain significance. Review status: criteria provided, multiple submitters, no conflicts (2 of 4 stars). 2 submissions from 2 submitters: Uncertain significance (2). Last evaluated 2026-07-03.

Conditions:
Primary ciliary dyskinesia. Also called: Ciliary dyskinesia. Identifiers: Orphanet 244, MedGen C0008780, MONDO:0016575, HP:0012265.
Joubert syndrome. Also called: JOUBERT-BOLTSHAUSER SYNDROME; Familial aplasia of the vermis. Identifiers: Orphanet 475, MedGen C5979921, MONDO:0018772.
Orofaciodigital syndrome I (OFD1). Also called: OFDS I; Papillon-Leage and Psaume Syndrome; Oral-Facial-Digital Syndrome Type I. Identifiers: Orphanet 2750, MedGen C1510460, MONDO:0010702, OMIM 311200.

Submissions (2):

Ambry Genetics
Classification: Uncertain significance for Primary ciliary dyskinesia. Last evaluated: 2026-07-03. Review status: criteria provided, single submitter. Criteria: Ambry Variant Classification Scheme 2023. Collection method: clinical testing. Allele origin: germline.

Labcorp Genetics (formerly Invitae), Labcorp
Classification: Uncertain significance for Orofaciodigital syndrome I; Joubert syndrome. Last evaluated: 2025-11-11. Review status: criteria provided, single submitter. Criteria: Invitae Variant Classification Sherloc (09022015). Collection method: clinical testing. Allele origin: germline.
Comment: This sequence change replaces lysine, which is basic and polar, with glutamic acid, which is acidic and polar, at codon 125 of the OFD1 protein (p.Lys125Glu). This variant is not present in population databases (gnomAD no frequency). This variant has not been reported in the literature in individuals affected with OFD1-related conditions. Invitae Evidence Modeling of protein sequence and biophysical properties (such as structural, functional, and spatial information, amino acid conservation, physicochemical variation, residue mobility, and thermodynamic stability) indicates that this missense variant is not expected to disrupt OFD1 protein function with a negative predictive value of 80%. In summary, the available evidence is currently insufficient to determine the role of this variant in disease. Therefore, it has been classified as a Variant of Uncertain Significance.